The following is an entry in ClinVar:

NM_004006.3(DMD):c.7247dup (p.Leu2416fs)

Gene: DMD (dystrophin; minus strand). Cytogenetic location: Xp21.1.
Variant type: Duplication.
Coding change: c.7247dup on transcript NM_004006.3 (MANE Select); coding-DNA position 7247, one base duplicated (T; older notation c.7247dupT).
Protein change: p.Leu2416fs; shifts the reading frame from leucine 2416.
Molecular consequence: frameshift variant. On other transcripts: 5 prime UTR variant (5).
Genome position (GRCh38, 1-based): chrX:31,820,037, A duplicated on the plus strand (T on the coding strand, the reverse complement: DMD is on the minus strand); the first of 3 consecutive A bases (chrX:31,820,037-31,820,039); duplicating any one gives the same sequence. VCF-style (leftmost placement, unchanged base first): chrX-31820036-T-TA. GRCh37 (hg19) VCF-style: chrX-31838153-T-TA.
Other names: c.7223dup, p.Leu2408fs (NM_000109.4); c.7235dup, p.Leu2412fs (NM_004009.3); c.6878dup, p.Leu2293fs (NM_004010.3); c.3224dup, p.Leu1075fs (NM_004011.4); c.3215dup, p.Leu1072fs (NM_004012.4); c.-134dup (NM_004013.3, NM_004020.4, NM_004021.3 and 2 more transcripts); short protein forms L2293fs, L2408fs, L1072fs, L2416fs, L1075fs, L2412fs.
Identifiers: ClinVar variation 197912 (VCV000197912.15), dbSNP rs797044764, ClinGen allele CA275312.

ClinVar aggregate classification (germline): Pathogenic. Review status: criteria provided, multiple submitters, no conflicts (2 of 4 stars). 2 submissions from 2 submitters: Pathogenic (2). Last evaluated 2023-05-23.

Conditions:
Duchenne muscular dystrophy (DMD). Also called: MUSCULAR DYSTROPHY, PSEUDOHYPERTROPHIC PROGRESSIVE, DUCHENNE TYPE; Duchenne Muscular Dystrophy (DMD). Identifiers: Orphanet 98896, MedGen C0013264, MONDO:0010679, OMIM 310200.

Submissions (2):

Labcorp Genetics (formerly Invitae), Labcorp
Classification: Pathogenic for Duchenne muscular dystrophy. Last evaluated: 2023-05-23. Review status: criteria provided, single submitter. Criteria: Invitae Variant Classification Sherloc (09022015). Collection method: clinical testing. Allele origin: germline.
Comment: For these reasons, this variant has been classified as Pathogenic. ClinVar contains an entry for this variant (Variation ID: 197912). This variant has not been reported in the literature in individuals affected with DMD-related conditions. This variant is not present in population databases (gnomAD no frequency). This sequence change creates a premature translational stop signal (p.Leu2416Phefs*11) in the DMD gene. It is expected to result in an absent or disrupted protein product. Loss-of-function variants in DMD are known to be pathogenic (PMID: 16770791, 25007885).

Eurofins Ntd Llc (ga)
Classification: Pathogenic. Last evaluated: 2014-08-06. Review status: criteria provided, single submitter. Criteria: EGL Classification Definitions. Collection method: clinical testing. Allele origin: germline. Observed: 2 variant alleles, 1 heterozygote, 1 hemizygote.

Literature cited by the submitters: PubMed 16770791 (cited by Labcorp Genetics (formerly Invitae), Labcorp); PubMed 25007885 (cited by Labcorp Genetics (formerly Invitae), Labcorp).